The following is an entry in ClinVar:

ClinVar aggregate classification (germline): Uncertain significance (1 of 4 stars; one submission).

gnomAD v4.1: 5 of 1,584,192 alleles (0.00032%); highest among the groups gnomAD compares: Admixed American, 0.0054%; no homozygotes.

Submission:

Labcorp Genetics (formerly Invitae), Labcorp
Classification: Uncertain significance. Last evaluated: 2024-03-19. Review status: criteria provided, single submitter. Criteria: Invitae Variant Classification Sherloc (09022015). Collection method: clinical testing. Allele origin: germline.
Comment: This sequence change replaces valine, which is neutral and non-polar, with methionine, which is neutral and non-polar, at codon 336 of the PTH1R protein (p.Val336Met). The frequency data for this variant in the population databases is considered unreliable, as metrics indicate poor data quality at this position in the gnomAD database. This variant has not been reported in the literature in individuals affected with PTH1R-related conditions. Advanced modeling of protein sequence and biophysical properties (such as structural, functional, and spatial information, amino acid conservation, physicochemical variation, residue mobility, and thermodynamic stability) has been performed at Invitae for this missense variant, however the output from this modeling did not meet the statistical confidence thresholds required to predict the impact of this variant on PTH1R protein function. In summary, the available evidence is currently insufficient to determine the role of this variant in disease. Therefore, it has been classified as a Variant of Uncertain Significance.

NM_000316.3(PTH1R):c.1006G>A (p.Val336Met)

Gene: PTH1R (parathyroid hormone 1 receptor; plus strand). Cytogenetic location: 3p21.31.
Variant type: single nucleotide variant.
Coding change: c.1006G>A on transcript NM_000316.3 (MANE Select); coding-DNA position 1006, G replaced by A.
Protein change: p.Val336Met; replaces valine 336 with methionine.
Molecular consequence: missense variant.
Genome position (GRCh38, 1-based): chr3:46,901,042, G>A. VCF-style: chr3-46901042-G-A. GRCh37 (hg19) VCF-style: chr3-46942532-G-A.
Other names: c.1006G>A, p.Val336Met (NM_001184744.1); short protein forms V336M.
Identifiers: ClinVar variation 3624602 (VCV003624602.2).